The following is an entry in ClinVar:

ClinVar aggregate classification (germline): Pathogenic/Likely pathogenic. Review status: criteria provided, multiple submitters, no conflicts (2 of 4 stars). 4 submissions from 4 submitters: Pathogenic (2); Likely pathogenic (2). Last evaluated 2026-03-24.

Conditions:
Charcot-Marie-Tooth disease type 2. Also called: Charcot-Marie-Tooth type 2. Identifiers: Orphanet 64746, MedGen C0270914, MONDO:0018993.
Severe neurodegenerative syndrome with lipodystrophy. Also called: ENCEPHALOPATHY, PROGRESSIVE, WITH LIPODYSTROPHY; Encephalopathy, progressive, with or without lipodystrophy. Identifiers: Orphanet 363400, MedGen C4014700, MONDO:0014402, OMIM 615924.
Hereditary spastic paraplegia 17. Also called: Silver spastic paraplegia syndrome; SPASTIC PARAPLEGIA WITH AMYOTROPHY OF HANDS AND FEET; Spastic Paraplegia 17; Autosomal dominant spastic paraplegia type 17; Silver Syndrome. Identifiers: Orphanet 100998, MedGen C2931276, MONDO:0010043, OMIM 270685.
Neuronopathy, distal hereditary motor, type 5C. Also called: DHMN VC; NEURONOPATHY, DISTAL HEREDITARY MOTOR, AUTOSOMAL DOMINANT 13; NEURONOPATHY, DISTAL HEREDITARY MOTOR, HARDING TYPE VC; NEUROPATHY, DISTAL HEREDITARY MOTOR, HARDING TYPE VC; SPINAL MUSCULAR ATROPHY, DISTAL, HARDING TYPE VC. Identifiers: MedGen C5436838, MONDO:0030860, OMIM 619112.
Congenital generalized lipodystrophy type 2 (CGL2). Also called: BERARDINELLI SYNDROME; BRUNZELL SYNDROME, BSCL2-RELATED; SEIP SYNDROME; Berardinelli-Seip Congenital Lipodystrophy Type 2. Identifiers: Orphanet 528, Orphanet 696289, MedGen C1720863, MONDO:0010020, OMIM 269700.

Allele frequency attached by ClinVar (database versions not stated): gnomAD 0.00001; TOPMed 0.00001.
gnomAD v4.1: 2 of 1,610,936 alleles (0.00012%); highest among the groups gnomAD compares: African/African-American, 0.0027%; no homozygotes.

Submissions (4):

GeneDx
Classification: Pathogenic. Last evaluated: 2026-03-24. Review status: criteria provided, single submitter. Criteria: GeneDx Variant Classification Process June 2021. Collection method: clinical testing. Allele origin: germline.
Comment: Canonical splice site variant predicted to result in a null allele in a gene for which loss of function is a known mechanism of disease; Not observed at significant frequency in large population cohorts (gnomAD); Has not been previously published as pathogenic or benign to our knowledge

Fulgent Genetics
Classification: Likely pathogenic for Congenital generalized lipodystrophy type 2; Hereditary spastic paraplegia 17; Severe neurodegenerative syndrome with lipodystrophy; Neuronopathy, distal hereditary motor, type 5C. Last evaluated: 2024-04-13. Review status: criteria provided, single submitter. Criteria: ACMG Guidelines, 2015. Collection method: clinical testing. Allele origin: germline.

Revvity Omics, Revvity
Classification: Pathogenic. Last evaluated: 2020-03-12. Review status: criteria provided, single submitter. Criteria: ACMG Guidelines, 2015. Collection method: clinical testing. Allele origin: germline.

Labcorp Genetics (formerly Invitae), Labcorp
Classification: Likely pathogenic for Charcot-Marie-Tooth disease type 2. Last evaluated: 2019-12-31. Review status: criteria provided, single submitter. Criteria: Invitae Variant Classification Sherloc (09022015). Collection method: clinical testing. Allele origin: germline.
Comment: This sequence change affects a donor splice site in intron 3 of the BSCL2 gene. It is expected to disrupt RNA splicing and likely results in an absent or disrupted protein product. This variant is not present in population databases (ExAC no frequency). In summary, the currently available evidence indicates that the variant is pathogenic, but additional data are needed to prove that conclusively. Therefore, this variant has been classified as Likely Pathogenic. Donor and acceptor splice site variants typically lead to a loss of protein function (PMID: 16199547), and loss-of-function variants in BSCL2 are known to be pathogenic (PMID: 23564749). Algorithms developed to predict the effect of sequence changes on RNA splicing suggest that this variant may disrupt the consensus splice site, but this prediction has not been confirmed by published transcriptional studies. This variant has not been reported in the literature in individuals with BSCL2-related conditions.

Literature cited by the submitters: PubMed 16199547 (cited by Labcorp Genetics (formerly Invitae), Labcorp); PubMed 23564749 (cited by Labcorp Genetics (formerly Invitae), Labcorp).

NM_001122955.4(BSCL2):c.486+1G>A

Genes: BSCL2 (BSCL2 lipid droplet biogenesis associated, seipin; minus strand), HNRNPUL2-BSCL2 (HNRNPUL2-BSCL2 readthrough (NMD candidate); minus strand). Cytogenetic location: 11q12.3.
Variant type: single nucleotide variant.
Coding change: c.486+1G>A on transcript NM_001122955.4 (MANE Select); the canonical splice donor site of the intron after coding-DNA position 486, G replaced by A.
Molecular consequence: splice donor variant.
Genome position (GRCh38, 1-based): chr11:62,702,467, C>T on the plus strand (G>A on the coding strand, the complement: BSCL2 is on the minus strand). VCF-style: chr11-62702467-C-T. GRCh37 (hg19) VCF-style: chr11-62469939-C-T.
Other names: c.294+1G>A (NM_001130702.2, NM_032667.6); c.486+1G>A (NM_001386028.1, NM_001386027.1).
Identifiers: ClinVar variation 844412 (VCV000844412.13), dbSNP rs1011200048, ClinGen allele CA380968228.